The following is an entry in ClinVar:

ClinVar aggregate classification (germline): Uncertain significance. Review status: criteria provided, multiple submitters, no conflicts (2 of 4 stars). 2 submissions from 2 submitters: Uncertain significance (2). Last evaluated 2024-05-20.

Conditions:
Autosomal recessive hypophosphatemic bone disease (HHRH). Also called: HYPERCALCIURIC RICKETS; Hypophosphatemic rickets with hypercalciuria. Identifiers: Orphanet 157215, MedGen C1853271, MONDO:0009431, OMIM 241530.

Allele frequency attached by ClinVar (database versions not stated): gnomAD exomes 0.00002 and 0.00005; gnomAD 0.00004; ExAC 0.00005; TOPMed 0.00005.
gnomAD v4.1: 73 of 1,610,140 alleles (0.0045%); highest among the groups gnomAD compares: African/African-American, 0.008%; no homozygotes.

Submissions (2):

Fulgent Genetics
Classification: Uncertain significance for Autosomal recessive hypophosphatemic bone disease. Last evaluated: 2024-05-20. Review status: criteria provided, single submitter. Criteria: ACMG Guidelines, 2015. Collection method: clinical testing. Allele origin: germline.

Labcorp Genetics (formerly Invitae), Labcorp
Classification: Uncertain significance. Last evaluated: 2019-12-04. Review status: criteria provided, single submitter. Criteria: Invitae Variant Classification Sherloc (09022015). Collection method: clinical testing. Allele origin: germline.
Comment: In summary, the available evidence is currently insufficient to determine the role of this variant in disease. Therefore, it has been classified as a Variant of Uncertain Significance. Algorithms developed to predict the effect of sequence changes on RNA splicing suggest that this variant may create or strengthen a splice site, but this prediction has not been confirmed by published transcriptional studies. Algorithms developed to predict the effect of missense changes on protein structure and function are either unavailable or do not agree on the potential impact of this missense change (SIFT: "Tolerated"; PolyPhen-2: "Probably Damaging"; Align-GVGD: "Class C0"). This variant has not been reported in the literature in individuals with SLC34A3-related conditions. This variant is present in population databases (rs766318308, ExAC 0.008%). This sequence change replaces alanine with valine at codon 364 of the SLC34A3 protein (p.Ala364Val). The alanine residue is highly conserved and there is a small physicochemical difference between alanine and valine.

NM_001177316.2(SLC34A3):c.1091C>T (p.Ala364Val)

Gene: SLC34A3 (solute carrier family 34 member 3; plus strand). Cytogenetic location: 9q34.3.
Variant type: single nucleotide variant.
Coding change: c.1091C>T on transcript NM_001177316.2 (MANE Select); coding-DNA position 1091, C replaced by T.
Protein change: p.Ala364Val; replaces alanine 364 with valine.
Molecular consequence: missense variant.
Genome position (GRCh38, 1-based): chr9:137,234,274, C>T. VCF-style: chr9-137234274-C-T. GRCh37 (hg19) VCF-style: chr9-140128726-C-T.
Other names: c.1091C>T, p.Ala364Val (NM_001177317.2, NM_080877.3); short protein forms A364V.
Identifiers: ClinVar variation 836523 (VCV000836523.10), dbSNP rs766318308, ClinGen allele CA5364763.